The following is an entry in ClinVar:

NM_006009.4(TUBA1A):c.746A>G (p.Asn249Ser)

Gene: TUBA1A (tubulin alpha 1a; minus strand). Cytogenetic location: 12q13.12.
Variant type: single nucleotide variant.
Coding change: c.746A>G on transcript NM_006009.4 (MANE Select); coding-DNA position 746, A replaced by G.
Protein change: p.Asn249Ser; replaces asparagine 249 with serine.
Molecular consequence: missense variant.
Genome position (GRCh38, 1-based): chr12:49,185,620, T>C on the plus strand (A>G on the coding strand, the complement: TUBA1A is on the minus strand). VCF-style: chr12-49185620-T-C. GRCh37 (hg19) VCF-style: chr12-49579403-T-C.
Other names: c.746A>G, p.Asn249Ser (NM_001270399.2); c.641A>G, p.Asn214Ser (NM_001270400.2); short protein forms N214S, N249S.
Identifiers: ClinVar variation 864865 (VCV000864865.2), dbSNP rs1942171146, ClinGen allele CA384640130.

ClinVar aggregate classification (germline): Likely pathogenic (1 of 4 stars; one submission).

Conditions:
Lissencephaly due to TUBA1A mutation (CDCBM16). Also called: CORTICAL DYSPLASIA, COMPLEX, WITH OTHER BRAIN MALFORMATIONS 16; Lissencephaly 3. Identifiers: Orphanet 171680, MedGen C4305153, MONDO:0012703, OMIM 611603.

Submission:

Bruce Lefroy Centre, Murdoch Childrens Research Institute
Classification: Likely pathogenic for Lissencephaly due to TUBA1A mutation. Last evaluated: 2020-01-01. Review status: criteria provided, single submitter. Criteria: ACMG Guidelines, 2015. Collection method: research. Allele origin: de novo. Inheritance: Autosomal dominant inheritance. Affected: yes.
Comment: PM2, PM6, PP2, PP3